The following is an entry in ClinVar:

ClinVar aggregate classification (germline): Uncertain significance (1 of 4 stars; one submission).

Conditions:
Hereditary spastic paraplegia 54. Also called: Spastic paraplegia 54, autosomal recessive. Identifiers: Orphanet 320380, MedGen C3539495, MONDO:0014018, OMIM 615033.

Allele frequency attached by ClinVar (database versions not stated): TOPMed below 0.00001; ExAC 0.00001; gnomAD 0.00001; gnomAD exomes 0.00003.
gnomAD v4.1: 8 of 1,614,040 alleles (0.0005%); highest among the groups gnomAD compares: Admixed American, 0.012%; no homozygotes.

Submission:

Labcorp Genetics (formerly Invitae), Labcorp
Classification: Uncertain significance for Hereditary spastic paraplegia 54. Last evaluated: 2022-02-20. Review status: criteria provided, single submitter. Criteria: Invitae Variant Classification Sherloc (09022015). Collection method: clinical testing. Allele origin: germline.
Comment: This variant has not been reported in the literature in individuals affected with DDHD2-related conditions. This variant is present in population databases (rs758122725, gnomAD 0.02%). This sequence change replaces leucine, which is neutral and non-polar, with isoleucine, which is neutral and non-polar, at codon 591 of the DDHD2 protein (p.Leu591Ile). Algorithms developed to predict the effect of missense changes on protein structure and function are either unavailable or do not agree on the potential impact of this missense change (SIFT: "Tolerated"; PolyPhen-2: "Possibly Damaging"; Align-GVGD: "Class C0"). In summary, the available evidence is currently insufficient to determine the role of this variant in disease. Therefore, it has been classified as a Variant of Uncertain Significance.

NM_015214.3(DDHD2):c.1771C>A (p.Leu591Ile)

Gene: DDHD2 (DDHD domain containing 2; plus strand). Cytogenetic location: 8p11.23.
Variant type: single nucleotide variant.
Coding change: c.1771C>A on transcript NM_015214.3 (MANE Select); coding-DNA position 1771, C replaced by A.
Protein change: p.Leu591Ile; replaces leucine 591 with isoleucine.
Molecular consequence: missense variant. On other transcripts: non-coding transcript variant (2).
Genome position (GRCh38, 1-based): chr8:38,253,007, C>A. VCF-style: chr8-38253007-C-A. GRCh37 (hg19) VCF-style: chr8-38110525-C-A.
Other names: c.1771C>A, p.Leu591Ile (NM_001164232.2, NM_001362911.2, NM_001362912.2 and 1 more transcripts); c.1681C>A, p.Leu561Ile (NM_001362913.2); short protein forms L591I, L561I.
Identifiers: ClinVar variation 1479148 (VCV001479148.6), dbSNP rs758122725, ClinGen allele CA4716365.